The following is an entry in ClinVar:

NM_000053.4(ATP7B):c.775C>T (p.Leu259Phe)

Gene: ATP7B (ATPase copper transporting beta; minus strand). Cytogenetic location: 13q14.3.
Variant type: single nucleotide variant.
Coding change: c.775C>T on transcript NM_000053.4 (MANE Select); coding-DNA position 775, C replaced by T.
Protein change: p.Leu259Phe; replaces leucine 259 with phenylalanine.
Molecular consequence: missense variant.
Genome position (GRCh38, 1-based): chr13:51,974,445, G>A on the plus strand (C>T on the coding strand, the complement: ATP7B is on the minus strand). VCF-style: chr13-51974445-G-A. GRCh37 (hg19) VCF-style: chr13-52548581-G-A.
Other names: c.679C>T, p.Leu227Phe (NM_001406539.1, NM_001406543.1, NM_001406544.1 and 4 more transcripts); c.775C>T, p.Leu259Phe (NM_001406527.1, NM_001406540.1, NM_001406526.1 and 30 more transcripts); short protein forms L227F, L259F.
Identifiers: ClinVar variation 3071515 (VCV003071515.1), dbSNP rs2547818755, ClinGen allele CA388041483.
Genomic context (GRCh38, chr13:51,974,445, plus strand): 5'-TATTTTCTTCAATATTCAAGACGCAAGACTTACAATGCATTCCATCTATTCTCAGTTGGA[G>A]GGTGACCACATGGCTTCCTTGGTGCCCCAAGGTCTCAGAATTATTAAAATTCTGGTTAGC-3'
Protein context (NP_000044.2, residues 249-269): LGHQGSHVVT[Leu259Phe]QLRIDGMHCK

ClinVar aggregate classification (germline): Uncertain significance (1 of 4 stars; one submission).

Conditions:
Wilson disease (WND). Also called: Wilson's disease. Identifiers: Orphanet 905, MedGen C0019202, MONDO:0010200, OMIM 277900. Disease mechanism: loss of function.

Submission:

All of Us Research Program, National Institutes of Health
Classification: Uncertain significance for Wilson disease. Last evaluated: 2023-06-08. Review status: criteria provided, single submitter. Criteria: ACMG Guidelines, 2015. Collection method: clinical testing. Allele origin: germline. Inheritance: Autosomal recessive inheritance. Observed: 1 variant allele, 1 heterozygote.
Comment: This missense variant replaces leucine with phenylalanine at codon 259 of the ATP7B protein. Computational prediction suggests that this variant may not impact protein structure and function (internally defined REVEL score threshold <= 0.5, PMID: 27666373). To our knowledge, functional studies have not been reported for this variant. This variant has not been reported in individuals affected with ATP7B-related disorders in the literature. This variant has not been identified in the general population by the Genome Aggregation Database (gnomAD). The available evidence is insufficient to determine the role of this variant in disease conclusively. Therefore, this variant is classified as a Variant of Uncertain Significance.

This study involves interpretation of variants in research participants for the purpose of population health screening. Participant phenotype was not available at the time of variant classification. Additional details can be found in publication PMID: 35346344, PMCID: PMC8962531